The following is an entry in ClinVar:

NM_001999.4(FBN2):c.*1132A>G

Gene: FBN2 (fibrillin 2; minus strand). Cytogenetic location: 5q23.3.
Variant type: single nucleotide variant.
Coding change: c.*1132A>G on transcript NM_001999.4 (MANE Select); 1132 bases downstream of the stop codon, A replaced by G.
Molecular consequence: 3 prime UTR variant.
Genome position (GRCh38, 1-based): chr5:128,258,323, T>C on the plus strand (A>G on the coding strand, the complement: FBN2 is on the minus strand). VCF-style: chr5-128258323-T-C. GRCh37 (hg19) VCF-style: chr5-127594015-T-C.
Identifiers: ClinVar variation 350734 (VCV000350734.5), dbSNP rs77373296, ClinGen allele CA10618964.

ClinVar aggregate classification (germline): Benign (1 of 4 stars; one submission).

Conditions:
Congenital contractural arachnodactyly (CCA). Also called: BEALS SYNDROME; Beals-Hecht syndrome; Arthrogryposis, distal, type 9. Identifiers: Orphanet 115, MedGen C0220668, MONDO:0007363, OMIM 121050.

Allele frequency attached by ClinVar (database versions not stated): gnomAD 0.01007 and 0.01086; TOPMed 0.01093; 1000 Genomes Project 0.01138; 1000 Genomes Project 30x 0.01202.

Submission:

Illumina Laboratory Services, Illumina
Classification: Benign for Congenital contractural arachnodactyly. Last evaluated: 2018-01-13. Review status: criteria provided, single submitter. Criteria: ICSL Variant Classification Criteria 13 December 2019. Collection method: clinical testing. Allele origin: germline.
Comment: This variant was observed in the ICSL laboratory as part of a predisposition screen in an ostensibly healthy population. It had not been previously curated by ICSL or reported in the Human Gene Mutation Database (HGMD: prior to June 1st, 2018), and was therefore a candidate for classification through an automated scoring system. Utilizing variant allele frequency, disease prevalence and penetrance estimates, and inheritance mode, an automated score was calculated to assess if this variant is too frequent to cause the disease. Based on the score and internal cut-off values, a variant classified as benign is not then subjected to further curation. The score for this variant resulted in a classification of benign for this disease.